The following is an entry in ClinVar:

NM_207122.2(EXT2):c.1223T>A (p.Leu408Gln)

Gene: EXT2 (exostosin glycosyltransferase 2; plus strand). Cytogenetic location: 11p11.2.
Variant type: single nucleotide variant.
Coding change: c.1223T>A on transcript NM_207122.2 (MANE Select); coding-DNA position 1223, T replaced by A.
Protein change: p.Leu408Gln; replaces leucine 408 with glutamine.
Molecular consequence: missense variant. On other transcripts: intron variant (1).
Genome position (GRCh38, 1-based): chr11:44,171,660, T>A. VCF-style: chr11-44171660-T-A. GRCh37 (hg19) VCF-style: chr11-44193210-T-A.
Other names: c.1322T>A, p.Leu441Gln (NM_000401.3); c.1223T>A, p.Leu408Gln (NM_001389628.1, NM_001389630.1); c.1267-14T>A (NM_001178083.3); short protein forms L441Q, L408Q.
Identifiers: ClinVar variation 2700749 (VCV002700749.3), dbSNP rs2539664886, ClinGen allele CA380175330.

ClinVar aggregate classification (germline): Uncertain significance (1 of 4 stars; one submission).

Conditions:
Exostoses, multiple, type 2 (EXT2). Also called: Hereditary Multiple Osteochondromatosis, Type II; EXOSTOSES, MULTIPLE, TYPE II. Identifiers: Orphanet 321, MedGen C1851413, MONDO:0007586, OMIM 133701.

Submission:

Labcorp Genetics (formerly Invitae), Labcorp
Classification: Uncertain significance for Exostoses, multiple, type 2. Last evaluated: 2023-12-04. Review status: criteria provided, single submitter. Criteria: Invitae Variant Classification Sherloc (09022015). Collection method: clinical testing. Allele origin: germline.
Comment: This sequence change replaces leucine, which is neutral and non-polar, with glutamine, which is neutral and polar, at codon 408 of the EXT2 protein (p.Leu408Gln). This variant is not present in population databases (gnomAD no frequency). This variant has not been reported in the literature in individuals affected with EXT2-related conditions. Advanced modeling of protein sequence and biophysical properties (such as structural, functional, and spatial information, amino acid conservation, physicochemical variation, residue mobility, and thermodynamic stability) performed at Invitae indicates that this missense variant is not expected to disrupt EXT2 protein function with a negative predictive value of 80%. In summary, the available evidence is currently insufficient to determine the role of this variant in disease. Therefore, it has been classified as a Variant of Uncertain Significance.